The following is an entry in ClinVar:

NM_198271.5(LMOD3):c.1015A>G (p.Thr339Ala)

Gene: LMOD3 (leiomodin 3; minus strand). Cytogenetic location: 3p14.1.
Variant type: single nucleotide variant.
Coding change: c.1015A>G on transcript NM_198271.5 (MANE Select); coding-DNA position 1015, A replaced by G.
Protein change: p.Thr339Ala; replaces threonine 339 with alanine.
Molecular consequence: missense variant.
Genome position (GRCh38, 1-based): chr3:69,119,340, T>C on the plus strand (A>G on the coding strand, the complement: LMOD3 is on the minus strand). VCF-style: chr3-69119340-T-C. GRCh37 (hg19) VCF-style: chr3-69168491-T-C.
Other names: c.1015A>G, p.Thr339Ala (NM_001304418.3); short protein forms T339A.
Identifiers: ClinVar variation 965614 (VCV000965614.6), dbSNP rs1273623485, ClinGen allele CA353473459.
Genomic context (GRCh38, chr3:69,119,340, plus strand): 5'-CCATTTCAGCATGGTGACCCAACATGTGCCTCTGATTGTGAAACCGAAGCTCAGTTAGCG[T>C]CTCATTAAACTGGAGACACCTCATGATGGCCACAATCCCTTTACCTGTGATGAAATTGGA-3'
Protein context (NP_938012.2, residues 329-349): AIMRCLQFNE[Thr339Ala]LTELRFHNQR

ClinVar aggregate classification (germline): Uncertain significance (1 of 4 stars; one submission).

Conditions:
Nemaline myopathy 10 (NEM10). Identifiers: MedGen C4015360, MONDO:0014513, OMIM 616165.

Allele frequency attached by ClinVar (database versions not stated): TOPMed below 0.00001.

Submission:

Labcorp Genetics (formerly Invitae), Labcorp
Classification: Uncertain significance for Nemaline myopathy 10. Last evaluated: 2020-02-22. Review status: criteria provided, single submitter. Criteria: Invitae Variant Classification Sherloc (09022015). Collection method: clinical testing. Allele origin: germline.
Comment: This variant is not present in population databases (ExAC no frequency). This sequence change replaces threonine with alanine at codon 339 of the LMOD3 protein (p.Thr339Ala). The threonine residue is highly conserved and there is a small physicochemical difference between threonine and alanine. In summary, the available evidence is currently insufficient to determine the role of this variant in disease. Therefore, it has been classified as a Variant of Uncertain Significance. Algorithms developed to predict the effect of missense changes on protein structure and function (SIFT, PolyPhen-2, Align-GVGD) all suggest that this variant is likely to be tolerated, but these predictions have not been confirmed by published functional studies and their clinical significance is uncertain. This variant has not been reported in the literature in individuals with LMOD3-related conditions.